The following is an entry in ClinVar:

ClinVar aggregate classification (germline): Uncertain significance (1 of 4 stars; one submission).

Conditions:
BAP1-related tumor predisposition syndrome (TPDS1). Also called: COMMON Syndrome; TUMOR PREDISPOSITION SYNDROME 1; Tumor susceptibility linked to germline BAP1 mutations; BAP1 tumor predisposition syndrome. Identifiers: Orphanet 289539, MedGen C3280492, MONDO:0013692, OMIM 614327.

Submission:

Labcorp Genetics (formerly Invitae), Labcorp
Classification: Uncertain significance for Tumor susceptibility linked to germline BAP1 mutations. Last evaluated: 2019-03-04. Review status: criteria provided, single submitter. Criteria: Invitae Variant Classification Sherloc (09022015). Collection method: clinical testing. Allele origin: germline.
Comment: This variant results in a copy number gain of the genomic region encompassing the full coding sequence of the BAP1 gene. The boundaries of this event are unknown as they extend beyond the assayed region for this gene and therefore may encompass additional genes. As the precise location of this event is unknown, it may be in tandem or it may be located elsewhere in the genome. This variant has not been reported in the literature in individuals with BAP1-related conditions. Experimental studies and prediction algorithms are not available for this variant, and the functional significance of the affected exons is currently unknown. In summary, the available evidence is currently insufficient to determine the role of this variant in disease. Therefore, it has been classified as a Variant of Uncertain Significance.

NC_000003.12:g.(?_52402278)_(52409888_?)dup

Gene: BAP1 (BRCA1 associated deubiquitinase 1; minus strand). Cytogenetic location: 3p21.1.
Variant type: Duplication.
Identifiers: ClinVar variation 831913 (VCV000831913.1).